The following is an entry in ClinVar:

ClinVar aggregate classification (germline): Pathogenic (1 of 4 stars; one submission).

Conditions:
Hereditary cancer-predisposing syndrome. Also called: Neoplastic Syndromes, Hereditary; Tumor predisposition; Hereditary Cancer Syndrome; Hereditary neoplastic syndrome. Identifiers: Orphanet 140162, MedGen C0027672, MeSH D009386, MONDO:0015356.

Submission:

Labcorp Genetics (formerly Invitae), Labcorp
Classification: Pathogenic for Hereditary cancer-predisposing syndrome. Last evaluated: 2021-12-07. Review status: criteria provided, single submitter. Criteria: Invitae Variant Classification Sherloc (09022015). Collection method: clinical testing. Allele origin: germline.
Comment: ClinVar contains an entry for this variant (Variation ID: 651741). For these reasons, this variant has been classified as Pathogenic. This variant has not been reported in the literature in individuals affected with RAD50-related conditions. This sequence change creates a premature translational stop signal (p.Asp137Alafs*16) in the RAD50 gene. It is expected to result in an absent or disrupted protein product. Loss-of-function variants in RAD50 are known to be pathogenic (PMID: 19409520). This variant is not present in population databases (gnomAD no frequency).

Literature cited by the submitters: PubMed 19409520.

NM_005732.4(RAD50):c.410_411del (p.Asp137fs)

Gene: RAD50 (RAD50 double strand break repair protein; plus strand). Cytogenetic location: 5q31.1.
Variant type: Deletion.
Coding change: c.410_411del on transcript NM_005732.4 (MANE Select); coding-DNA positions 410 to 411, 2 bases deleted (AC; older notation c.410_411delAC).
Protein change: p.Asp137fs; shifts the reading frame from aspartic acid 137.
Molecular consequence: frameshift variant.
Genome position (GRCh38, 1-based): chr5:132,579,361-132,579,362, AC deleted. VCF-style (leftmost placement, unchanged base first): chr5-132579360-GAC-G. GRCh37 (hg19) VCF-style: chr5-131915052-GAC-G.
Other names: short protein forms D137fs.
Identifiers: ClinVar variation 651741 (VCV000651741.7), dbSNP rs1580987151, ClinGen allele CA915943535.